The following is an entry in ClinVar:

NM_019032.6(ADAMTSL4):c.2178-10G>T

Gene: ADAMTSL4 (ADAMTS like 4; plus strand). Cytogenetic location: 1q21.2.
Variant type: single nucleotide variant.
Coding change: c.2178-10G>T on transcript NM_019032.6 (MANE Select); 10 bases into the intron before coding-DNA position 2178, G replaced by T.
Molecular consequence: intron variant.
Genome position (GRCh38, 1-based): chr1:150,557,935, G>T. VCF-style: chr1-150557935-G-T. GRCh37 (hg19) VCF-style: chr1-150530411-G-T.
Other names: c.2247-10G>T (NM_001288608.2); c.2061-10G>T (NM_001288607.2); c.2178-10G>T (NM_001378596.1, NM_025008.5).
Identifiers: ClinVar variation 626058 (VCV000626058.5), dbSNP rs766540875, ClinGen allele CA913189928.

ClinVar aggregate classification (germline): Conflicting classifications of pathogenicity. Review status: criteria provided, conflicting classifications (1 of 4 stars). 2 submissions from 2 submitters: Uncertain significance (1); Likely benign (1). Last evaluated 2024-12-19.

Conditions:
Ectopia lentis et pupillae. Also called: ECTOPIA LENTIS WITH ECTOPIA OF PUPIL. Identifiers: Orphanet 1885, MedGen C1644196, MONDO:0009153, OMIM 225200.
Ectopia lentis 2, isolated, autosomal recessive (ECTOL2). Identifiers: Orphanet 1885, MedGen C3541474, MONDO:0009152, OMIM 225100.

Allele frequency attached by ClinVar (database versions not stated): gnomAD exomes below 0.00001.

Submissions (2):

Labcorp Genetics (formerly Invitae), Labcorp
Classification: Likely benign. Last evaluated: 2024-12-19. Review status: criteria provided, single submitter. Criteria: Invitae Variant Classification Sherloc (09022015). Collection method: clinical testing. Allele origin: germline.

Center for Genomics, Ann and Robert H. Lurie Children's Hospital of Chicago
Classification: Uncertain significance for Ectopia lentis et pupillae; Ectopia lentis 2, isolated, autosomal recessive. Review status: criteria provided, single submitter. Criteria: ACMG Guidelines, 2015. Collection method: clinical testing. Allele origin: germline.
Comment: ADAMTSL4 NM_019032.5 exon 14 c.2178-10G>T: This variant has not been reported in the literature and is not present in large control databases. Evolutionary conservation and computational predictive tools for this variant are limited or unavailable. Although this variant occurs in the splice region, computational prediction tools do not suggest that it may alter splicing. However, further studies are needed to understand its impact. In summary, data on this variant is insufficient for disease classification. Therefore, the clinical significance of this variant is uncertain.